The following is an entry in ClinVar:

ClinVar aggregate classification (germline): Uncertain significance (1 of 4 stars; one submission).

Conditions:
Cardiovascular phenotype. Identifiers: MedGen CN230736.

gnomAD v4.1: 1 of 1,580,962 alleles (0.000063%); highest among the groups gnomAD compares: Non-Finnish European, 0.000087%; no homozygotes.

Submission:

Ambry Genetics
Classification: Uncertain significance for Cardiovascular phenotype. Last evaluated: 2025-12-16. Review status: criteria provided, single submitter. Criteria: Ambry Variant Classification Scheme 2023. Collection method: clinical testing. Allele origin: germline.
Comment: The p.N1255D variant (also known as c.3763A>G), located in coding exon 12 of the AKAP9 gene, results from an A to G substitution at nucleotide position 3763. The asparagine at codon 1255 is replaced by aspartic acid, an amino acid with highly similar properties. This amino acid position is conserved. In addition, this alteration is predicted to be tolerated by in silico analysis. Based on the available evidence, the clinical significance of this variant remains unclear.

NM_005751.5(AKAP9):c.3763A>G (p.Asn1255Asp)

Gene: AKAP9 (A-kinase anchoring protein 9; plus strand). Cytogenetic location: 7q21.2.
Variant type: single nucleotide variant.
Coding change: c.3763A>G on transcript NM_005751.5 (MANE Select); coding-DNA position 3763, A replaced by G.
Protein change: p.Asn1255Asp; replaces asparagine 1255 with aspartic acid.
Molecular consequence: missense variant.
Genome position (GRCh38, 1-based): chr7:92,017,028, A>G. VCF-style: chr7-92017028-A-G. GRCh37 (hg19) VCF-style: chr7-91646342-A-G.
Other names: c.3763A>G, p.Asn1255Asp (NM_147185.3); short protein forms N1255D.
Identifiers: ClinVar variation 4842374 (VCV004842374.1).
Genomic context (GRCh38, chr7:92,017,028, plus strand): 5'-GACTTTTACTGTGAAGTGAAATTATTGTAATTGTTTGTTTACCATCCAGACTTTCAAGAA[A>G]ATATGCACACTCTTCTCAACAAAGTAACAGAAGAATACAACAAACTCTTGGTACTTCAAA-3'
Protein context (NP_005742.4, residues 1245-1265): YRYEVQDFQE[Asn1255Asp]MHTLLNKVTE